The following is an entry in ClinVar:

ClinVar aggregate classification (germline): Uncertain significance. Review status: criteria provided, multiple submitters, no conflicts (2 of 4 stars). 2 submissions from 2 submitters: Uncertain significance (2). Last evaluated 2025-02-18.

Conditions:
Spinocerebellar ataxia, autosomal recessive, with axonal neuropathy 2 (SCAN2). Also called: Ataxia with Oculomotor Apraxia; Ataxia-ocular apraxia-2; Ataxia with Oculomotor Apraxia Type 2; ATAXIA-OCULOMOTOR APRAXIA 2. Identifiers: Orphanet 64753, MedGen C1853761, MONDO:0018996, OMIM 606002.
Amyotrophic lateral sclerosis type 4 (ALS4). Also called: NEURONOPATHY, DISTAL HEREDITARY MOTOR, WITH PYRAMIDAL FEATURES; AMYOTROPHIC LATERAL SCLEROSIS 4, JUVENILE. Identifiers: Orphanet 357043, MedGen C1865409, MONDO:0011223, OMIM 602433.

gnomAD v4.1: 15 of 1,614,068 alleles (0.00093%); highest among the groups gnomAD compares: Non-Finnish European, 0.0012%; no homozygotes.

Submissions (2):

Labcorp Genetics (formerly Invitae), Labcorp
Classification: Uncertain significance for Amyotrophic lateral sclerosis type 4; Spinocerebellar ataxia, autosomal recessive, with axonal neuropathy 2. Last evaluated: 2025-02-18. Review status: criteria provided, single submitter. Criteria: Invitae Variant Classification Sherloc (09022015). Collection method: clinical testing. Allele origin: germline.
Comment: This sequence change replaces isoleucine, which is neutral and non-polar, with threonine, which is neutral and polar, at codon 1520 of the SETX protein (p.Ile1520Thr). This variant is not present in population databases (gnomAD no frequency). This missense change has been observed in individual(s) with amyotrophic lateral sclerosis (PMID: 32166880; internal data). ClinVar contains an entry for this variant (Variation ID: 1709177). Invitae Evidence Modeling of protein sequence and biophysical properties (such as structural, functional, and spatial information, amino acid conservation, physicochemical variation, residue mobility, and thermodynamic stability) indicates that this missense variant is not expected to disrupt SETX protein function with a negative predictive value of 95%. In summary, the available evidence is currently insufficient to determine the role of this variant in disease. Therefore, it has been classified as a Variant of Uncertain Significance.

MGZ Medical Genetics Center
Classification: Uncertain significance for Amyotrophic lateral sclerosis type 4. Last evaluated: 2022-05-03. Review status: criteria provided, single submitter. Criteria: ACMG Guidelines, 2015. Collection method: clinical testing. Allele origin: germline. Affected: yes. Observed: 1 variant allele.
Comment: ACMG criteria applied: PM2_SUP, PP3

Literature cited by the submitters: PubMed 32166880 (cited by Labcorp Genetics (formerly Invitae), Labcorp).

NM_015046.7(SETX):c.4559T>C (p.Ile1520Thr)

Gene: SETX (senataxin; minus strand). Cytogenetic location: 9q34.13.
Variant type: single nucleotide variant.
Coding change: c.4559T>C on transcript NM_015046.7 (MANE Select); coding-DNA position 4559, T replaced by C.
Protein change: p.Ile1520Thr; replaces isoleucine 1520 with threonine.
Molecular consequence: missense variant.
Genome position (GRCh38, 1-based): chr9:132,327,039, A>G on the plus strand (T>C on the coding strand, the complement: SETX is on the minus strand). VCF-style: chr9-132327039-A-G. GRCh37 (hg19) VCF-style: chr9-135202426-A-G.
Other names: c.4559T>C, p.Ile1520Thr (NM_001351527.2, NM_001351528.2); short protein forms I1520T.
Identifiers: ClinVar variation 1709177 (VCV001709177.4), dbSNP rs767954870, ClinGen allele CA375325763.